The following is an entry in ClinVar:

NM_006231.4(POLE):c.1724_1736del (p.Glu575fs)

Gene: POLE (DNA polymerase epsilon, catalytic subunit; minus strand). Cytogenetic location: 12q24.33.
Variant type: Deletion.
Coding change: c.1724_1736del on transcript NM_006231.4 (MANE Select); coding-DNA positions 1724 to 1736, 13 bases deleted (AGAAGACCTTGCG).
Protein change: p.Glu575fs; shifts the reading frame from glutamic acid 575.
Molecular consequence: frameshift variant.
Genome position (GRCh38, 1-based): chr12:132,672,273-132,672,285, CGCAAGGTCTTCT deleted on the plus strand (AGAAGACCTTGCG on the coding strand, the reverse complement: POLE is on the minus strand); deleting any 13 consecutive bases within chr12:132,672,273-132,672,286 gives the same sequence; the c. name uses the placement nearest the transcript's 3' end. VCF-style (leftmost placement, unchanged base first): chr12-132672272-GCGCAAGGTCTTCT-G. GRCh37 (hg19) VCF-style: chr12-133248858-GCGCAAGGTCTTCT-G.
Other names: short protein forms E575fs.
Identifiers: ClinVar variation 1500032 (VCV001500032.6), dbSNP rs2135990721, ClinGen allele CA2573148264.
Genomic context (GRCh38, chr12:132,672,272, plus strand): 5'-TACCTCTTCAAAGTTGGTGACTTGCTCCACAGGCACTTTCTCCTCTTCCTCAAGGGCGTG[GCGCAAGGTCTTCT>G]CAACCCGCTGCAGCAGGAAGTCAAAGGCGGCAGGATTCTAGCACAACAGTGAGACGACGG-3'

ClinVar aggregate classification (germline): Pathogenic (1 of 4 stars; one submission).

Submission:

Labcorp Genetics (formerly Invitae), Labcorp
Classification: Pathogenic. Last evaluated: 2022-05-12. Review status: criteria provided, single submitter. Criteria: Invitae Variant Classification Sherloc (09022015). Collection method: clinical testing. Allele origin: germline.
Comment: This variant has not been reported in the literature in individuals affected with POLE-related conditions. For these reasons, this variant has been classified as Pathogenic. This sequence change creates a premature translational stop signal (p.Glu575Alafs*32) in the POLE gene. It is expected to result in an absent or disrupted protein product. Loss-of-function variants in POLE are known to be pathogenic (PMID: 23230001, 25948378, 30503519). This variant is not present in population databases (gnomAD no frequency).

Literature cited by the submitters: PubMed 23230001; PubMed 25948378; PubMed 30503519.